The following is an entry in ClinVar:

NM_002397.5(MEF2C):c.751C>T (p.Arg251Cys)

Gene: MEF2C (myocyte enhancer factor 2C; minus strand). Cytogenetic location: 5q14.3.
Variant type: single nucleotide variant.
Coding change: c.751C>T on transcript NM_002397.5 (MANE Select); coding-DNA position 751, C replaced by T.
Protein change: p.Arg251Cys; replaces arginine 251 with cysteine.
Molecular consequence: missense variant.
Genome position (GRCh38, 1-based): chr5:88,731,788, G>A on the plus strand (C>T on the coding strand, the complement: MEF2C is on the minus strand). VCF-style: chr5-88731788-G-A. GRCh37 (hg19) VCF-style: chr5-88027605-G-A.
Other names: c.745C>T, p.Arg249Cys (NM_001131005.2, NM_001364343.2, NM_001364352.2); c.805C>T, p.Arg269Cys (NM_001193347.1, NM_001364338.2); c.607C>T, p.Arg203Cys (NM_001193348.1, NM_001193349.3, NM_001364332.2 and 3 more transcripts); c.751C>T, p.Arg251Cys (NM_001193350.2, NM_001308002.3, NM_001363581.2 and 18 more transcripts); c.373C>T, p.Arg125Cys (NM_001364353.2, NM_001364356.2); c.325C>T, p.Arg109Cys (NM_001364357.2); short protein forms R109C, R249C, R251C, R203C, R269C, R125C.
Identifiers: ClinVar variation 936112 (VCV000936112.10), dbSNP rs1761787183, ClinGen allele CA360423276.

ClinVar aggregate classification (germline): Uncertain significance (1 of 4 stars; one submission).

Conditions:
Neurodevelopmental disorder with hypotonia, stereotypic hand movements, and impaired language. Also called: Intellectual disability, autosomal dominant 20. Identifiers: Orphanet 228384, Orphanet 664410, MedGen C3150700, MONDO:0013266, OMIM 613443.

Submission:

Labcorp Genetics (formerly Invitae), Labcorp
Classification: Uncertain significance for Neurodevelopmental disorder with hypotonia, stereotypic hand movements, and impaired language. Last evaluated: 2019-10-07. Review status: criteria provided, single submitter. Criteria: Invitae Variant Classification Sherloc (09022015). Collection method: clinical testing. Allele origin: germline.
Comment: In summary, the available evidence is currently insufficient to determine the role of this variant in disease. Therefore, it has been classified as a Variant of Uncertain Significance. Algorithms developed to predict the effect of missense changes on protein structure and function are either unavailable or do not agree on the potential impact of this missense change (SIFT: "Deleterious"; PolyPhen-2: "Probably Damaging"; Align-GVGD: "Class C0"). This variant has not been reported in the literature in individuals with MEF2C-related conditions. This variant is not present in population databases (ExAC no frequency). This sequence change replaces arginine with cysteine at codon 251 of the MEF2C protein (p.Arg251Cys). The arginine residue is highly conserved and there is a large physicochemical difference between arginine and cysteine.